The following is an entry in ClinVar:

ClinVar aggregate classification (germline): Uncertain significance (1 of 4 stars; one submission).

Conditions:
NRP1-related disorder. Also called: NRP1-related condition.

gnomAD v4.1: 13 of 1,613,732 alleles (0.00081%); highest among the groups gnomAD compares: East Asian, 0.018%; no homozygotes.

Submission:

PreventionGenetics, part of Exact Sciences
Classification: Uncertain significance for NRP1-related condition. Last evaluated: 2025-10-08. Review status: criteria provided, single submitter. Criteria: ACMG Guidelines, 2015. Collection method: clinical testing. Allele origin: germline.
Comment: The NRP1 c.1975A>T variant is predicted to result in the amino acid substitution p.Thr659Ser. To our knowledge, this variant has not been reported in the literature. This variant is reported in 0.035% of alleles in individuals of East Asian descent in gnomAD. At this time, the clinical significance of this variant is uncertain due to the absence of conclusive functional and genetic evidence.

NM_003873.7(NRP1):c.1975A>T (p.Thr659Ser)

Gene: NRP1 (neuropilin 1; minus strand). Cytogenetic location: 10p11.22.
Variant type: single nucleotide variant.
Coding change: c.1975A>T on transcript NM_003873.7 (MANE Select); coding-DNA position 1975, A replaced by T.
Protein change: p.Thr659Ser; replaces threonine 659 with serine.
Molecular consequence: missense variant. On other transcripts: non-coding transcript variant (1).
Genome position (GRCh38, 1-based): chr10:33,192,368, T>A on the plus strand (A>T on the coding strand, the complement: NRP1 is on the minus strand). VCF-style: chr10-33192368-T-A. GRCh37 (hg19) VCF-style: chr10-33481296-T-A.
Other names: c.1954A>T, p.Thr652Ser (NM_001244972.2, NM_001244973.2); c.1975A>T, p.Thr659Ser (NM_001330068.2); short protein forms T659S, T652S.
Identifiers: ClinVar variation 4989723 (VCV004989723.1).
Genomic context (GRCh38, chr10:33,192,368, plus strand): 5'-TGCTGGTCAACACACTCCACTTGAGCTGCACGTGATTGTCATGTTCCCAGTGGCAGAAGG[T>A]CTTGTGAGAGCCCCAGCCAAATTCACAGTTAAAACCATATGTTGGAAACTCTTCAGTGGG-3'
Protein context (NP_003864.5, residues 649-669): NCEFGWGSHK[Thr659Ser]FCHWEHDNHV